The following is an entry in ClinVar:

NM_000053.4(ATP7B):c.3700-7G>A

Gene: ATP7B (ATPase copper transporting beta; minus strand). Cytogenetic location: 13q14.3.
Variant type: single nucleotide variant.
Coding change: c.3700-7G>A on transcript NM_000053.4 (MANE Select); 7 bases into the intron before coding-DNA position 3700, G replaced by A.
Molecular consequence: intron variant.
Genome position (GRCh38, 1-based): chr13:51,937,686, C>T on the plus strand (G>A on the coding strand, the complement: ATP7B is on the minus strand). VCF-style: chr13-51937686-C-T. GRCh37 (hg19) VCF-style: chr13-52511822-C-T.
Other names: c.3367-7G>A (NM_001243182.2); c.3079-7G>A (NM_001005918.3); c.3448-7G>A (NM_001330579.2); c.3466-7G>A (NM_001330578.2).
Identifiers: ClinVar variation 991414 (VCV000991414.10), dbSNP rs756742483, ClinGen allele CA250073852.

ClinVar aggregate classification (germline): Likely benign. Review status: criteria provided, multiple submitters, no conflicts (2 of 4 stars). 3 submissions from 3 submitters: Likely benign (2). 1 of the submissions does not count toward it. Last evaluated 2024-06-19.

Conditions:
Wilson disease (WND). Also called: Wilson's disease. Identifiers: Orphanet 905, MedGen C0019202, MONDO:0010200, OMIM 277900. Disease mechanism: loss of function.

Allele frequency attached by ClinVar (database versions not stated): gnomAD 0.00001; TOPMed 0.00001.
gnomAD v4.1: 10 of 1,614,026 alleles (0.00062%); highest among the groups gnomAD compares: Non-Finnish European, 0.00085%; no homozygotes.

Submissions (3):

Labcorp Genetics (formerly Invitae), Labcorp
Classification: Likely benign for Wilson disease. Last evaluated: 2024-06-19. Review status: criteria provided, single submitter. Criteria: Invitae Variant Classification Sherloc (09022015). Collection method: clinical testing. Allele origin: germline.

All of Us Research Program, National Institutes of Health
Classification: Likely benign for Wilson disease. Last evaluated: 2023-08-15. Review status: criteria provided, single submitter. Criteria: ACMG Guidelines, 2015. Collection method: clinical testing. Allele origin: germline. Inheritance: Autosomal recessive inheritance. Observed: 1 variant allele, 1 heterozygote.
Comment: This study involves interpretation of variants in research participants for the purpose of population health screening. Participant phenotype was not available at the time of variant classification. Additional details can be found in publication PMID: 35346344, PMCID: PMC8962531

Natera, Inc.
Classification: Uncertain significance for Wilson disease. Last evaluated: 2020-04-15. Review status: no assertion criteria provided. Collection method: clinical testing. Allele origin: germline. Not counted in ClinVar's aggregate classification.